The following is an entry in ClinVar:

NM_001429.4(EP300):c.4408del (p.Met1470fs)

Gene: EP300 (E1A binding protein p300; plus strand). Cytogenetic location: 22q13.2.
Variant type: Deletion.
Coding change: c.4408del on transcript NM_001429.4 (MANE Select); coding-DNA position 4408, one base deleted (A; older notation c.4408delA).
Protein change: p.Met1470fs; shifts the reading frame from methionine 1470.
Molecular consequence: frameshift variant.
Genome position (GRCh38, 1-based): chr22:41,170,527, A deleted; the last of 7 consecutive A bases (chr22:41,170,521-41,170,527); deleting any one gives the same sequence. VCF-style (leftmost placement, unchanged base first): chr22-41170520-CA-C. GRCh37 (hg19) VCF-style: chr22-41566524-CA-C.
Other names: c.4330del, p.Met1444fs (NM_001362843.2); short protein forms M1444fs, M1470fs.
Identifiers: ClinVar variation 3602935 (VCV003602935.1).

ClinVar aggregate classification (germline): Pathogenic (1 of 4 stars; one submission).

Submission:

GeneDx
Classification: Pathogenic. Last evaluated: 2024-08-10. Review status: criteria provided, single submitter. Criteria: GeneDx Variant Classification Process June 2021. Collection method: clinical testing. Allele origin: germline. Affected: yes.
Comment: Frameshift variant predicted to result in protein truncation or nonsense mediated decay in a gene for which loss of function is a known mechanism of disease; Not observed at significant frequency in large population cohorts (gnomAD); Has not been previously published as pathogenic or benign germline variant to our knowledge; This variant is associated with the following publications: (PMID: 23759652)